The following is an entry in ClinVar:

ClinVar aggregate classification (germline): Uncertain significance (1 of 4 stars; one submission).

Conditions:
Amyotrophic lateral sclerosis type 8 (ALS8). Identifiers: Orphanet 803, MedGen C1837728, MONDO:0012077, OMIM 608627.
Adult-onset proximal spinal muscular atrophy, autosomal dominant. Also called: Spinal muscular atrophy, late-onset, finkel type; FINKEL LATE-ADULT TYPE SMA. Identifiers: Orphanet 209335, MedGen C1854058, MONDO:0008453, OMIM 182980.

Submission:

Labcorp Genetics (formerly Invitae), Labcorp
Classification: Uncertain significance for Adult-onset proximal spinal muscular atrophy, autosomal dominant; Amyotrophic lateral sclerosis type 8. Last evaluated: 2023-10-06. Review status: criteria provided, single submitter. Criteria: Invitae Variant Classification Sherloc (09022015). Collection method: clinical testing. Allele origin: germline.
Comment: This sequence change creates a premature translational stop signal (p.Cys41Phefs*2) in the VAPB gene. It is expected to result in an absent or disrupted protein product. However, the current clinical and genetic evidence is not sufficient to establish whether loss-of-function variants in VAPB cause disease. This variant is not present in population databases (gnomAD no frequency). This variant has not been reported in the literature in individuals affected with VAPB-related conditions. In summary, the available evidence is currently insufficient to determine the role of this variant in disease. Therefore, it has been classified as a Variant of Uncertain Significance.

NM_004738.5(VAPB):c.122_123del (p.Cys41fs)

Gene: VAPB (VAMP associated protein B and C; plus strand). Cytogenetic location: 20q13.32.
Variant type: Microsatellite.
Coding change: c.122_123del on transcript NM_004738.5 (MANE Select); coding-DNA positions 122 to 123, 2 bases deleted (GT; older notation c.122_123delGT).
Protein change: p.Cys41fs; shifts the reading frame from cysteine 41.
Molecular consequence: frameshift variant. On other transcripts: non-coding transcript variant (1).
Genome position (GRCh38, 1-based): chr20:58,418,274-58,418,275, GT deleted; deleting any 2 consecutive bases within chr20:58,418,269-58,418,275 gives the same sequence; the c. name uses the placement nearest the transcript's 3' end. VCF-style (leftmost placement, unchanged base first): chr20-58418268-ATG-A. GRCh37 (hg19) VCF-style: chr20-56993324-ATG-A.
Other names: c.122_123del, p.Cys41fs (NM_001195677.2); short protein forms C41fs.
Identifiers: ClinVar variation 2942488 (VCV002942488.3), dbSNP rs2516032933, ClinGen allele CA2740094596.